The following is an entry in ClinVar:

NM_000368.5(TSC1):c.3155C>T (p.Pro1052Leu)

Gene: TSC1 (TSC complex subunit 1; minus strand). Cytogenetic location: 9q34.13.
Variant type: single nucleotide variant.
Coding change: c.3155C>T on transcript NM_000368.5 (MANE Select); coding-DNA position 3155, C replaced by T.
Protein change: p.Pro1052Leu; replaces proline 1052 with leucine.
Molecular consequence: missense variant. On other transcripts: non-coding transcript variant (5).
Genome position (GRCh38, 1-based): chr9:132,896,575, G>A on the plus strand (C>T on the coding strand, the complement: TSC1 is on the minus strand). VCF-style: chr9-132896575-G-A. GRCh37 (hg19) VCF-style: chr9-135771962-G-A.
Other names: c.2204C>T, p.Pro735Leu (NM_001406626.1); c.2201C>T, p.Pro734Leu (NM_001406627.1, NM_001406628.1); c.2102C>T, p.Pro701Leu (NM_001406629.1, NM_001406630.1); c.3152C>T, p.Pro1051Leu (NM_001162426.2, NM_001406597.1, NM_001406598.1 and 2 more transcripts); c.3002C>T, p.Pro1001Leu (NM_001162427.2, NM_001406610.1); c.2792C>T, p.Pro931Leu (NM_001362177.2, NM_001406614.1, NM_001406615.1 and 4 more transcripts); c.3155C>T, p.Pro1052Leu (NM_001406592.1, NM_001406593.1, NM_001406594.1 and 2 more transcripts); c.2789C>T, p.Pro930Leu (NM_001406622.1, NM_001406623.1, NM_001406620.1 and 1 more transcripts); and 8 more; short protein forms P1001L, P1038L, P917L, P931L, P1037L, P1046L, P1052L, P916L.
Identifiers: ClinVar variation 2598315 (VCV002598315.5), dbSNP rs2131605173, ClinGen allele CA375367217.

ClinVar aggregate classification (germline): Uncertain significance. Review status: criteria provided, multiple submitters, no conflicts (2 of 4 stars). 4 submissions from 4 submitters: Uncertain significance (4). Last evaluated 2025-09-01.

Conditions:
Tuberous sclerosis 1 (TSC1). Identifiers: Orphanet 805, MedGen C1854465, MONDO:0008612, OMIM 191100.
Hereditary cancer-predisposing syndrome. Also called: Tumor predisposition; Neoplastic Syndromes, Hereditary; Hereditary Cancer Syndrome; Hereditary neoplastic syndrome. Identifiers: Orphanet 140162, MedGen C0027672, MeSH D009386, MONDO:0015356.
Tuberous sclerosis syndrome (TSC). Also called: Tuberous Sclerosis Complex; Tuberous sclerosis. Identifiers: Orphanet 805, MedGen C0041341, MONDO:0001734.

gnomAD v4.1: 3 of 1,614,048 alleles (0.00019%); highest among the groups gnomAD compares: South Asian, 0.0011%; no homozygotes.

Submissions (4):

Ambry Genetics
Classification: Uncertain significance for Hereditary cancer-predisposing syndrome. Last evaluated: 2025-09-01. Review status: criteria provided, single submitter. Criteria: Ambry Variant Classification Scheme 2023. Collection method: clinical testing. Allele origin: germline.
Comment: The p.P1052L variant (also known as c.3155C>T), located in coding exon 21 of the TSC1 gene, results from a C to T substitution at nucleotide position 3155. The proline at codon 1052 is replaced by leucine, an amino acid with similar properties. This amino acid position is conserved. In addition, the in silico prediction for this alteration is inconclusive. Since supporting evidence is limited at this time, the clinical significance of this alteration remains unclear.

Labcorp Genetics (formerly Invitae), Labcorp
Classification: Uncertain significance for Tuberous sclerosis 1. Last evaluated: 2025-07-23. Review status: criteria provided, single submitter. Criteria: Invitae Variant Classification Sherloc (09022015). Collection method: clinical testing. Allele origin: germline.
Comment: This sequence change replaces proline, which is neutral and non-polar, with leucine, which is neutral and non-polar, at codon 1052 of the TSC1 protein (p.Pro1052Leu). This variant is not present in population databases (gnomAD no frequency). This variant has not been reported in the literature in individuals affected with TSC1-related conditions. ClinVar contains an entry for this variant (Variation ID: 2598315). Invitae Evidence Modeling of protein sequence and biophysical properties (such as structural, functional, and spatial information, amino acid conservation, physicochemical variation, residue mobility, and thermodynamic stability) indicates that this missense variant is not expected to disrupt TSC1 protein function with a negative predictive value of 95%. In summary, the available evidence is currently insufficient to determine the role of this variant in disease. Therefore, it has been classified as a Variant of Uncertain Significance.

Color Diagnostics, LLC DBA Color Health
Classification: Uncertain significance for Tuberous sclerosis syndrome. Last evaluated: 2025-06-30. Review status: criteria provided, single submitter. Criteria: ACMG Guidelines, 2015. Collection method: clinical testing. Allele origin: germline.
Comment: This missense variant replaces proline with leucine at codon 1052 of the TSC1 protein. Computational prediction suggests that this variant may not impact protein structure and function. To our knowledge, functional studies have not been reported for this variant. This variant has not been reported in individuals affected with TSC1-related disorders in the literature. This variant has not been identified in the general population by the Genome Aggregation Database (gnomAD). The available evidence is insufficient to determine the role of this variant in disease conclusively. Therefore, this variant is classified as a Variant of Uncertain Significance.

All of Us Research Program, National Institutes of Health
Classification: Uncertain significance for Tuberous sclerosis syndrome. Last evaluated: 2024-01-11. Review status: criteria provided, single submitter. Criteria: ACMG Guidelines, 2015. Collection method: clinical testing. Allele origin: germline. Inheritance: Autosomal dominant inheritance. Observed: 1 variant allele, 1 heterozygote.
Comment: This study involves interpretation of variants in research participants for the purpose of population health screening. Participant phenotype was not available at the time of variant classification. Additional details can be found in publication PMID: 35346344, PMCID: PMC8962531